The following is an entry in ClinVar:

NM_003280.3(TNNC1):c.262G>A (p.Asp88Asn)

Gene: TNNC1 (troponin C1, slow skeletal and cardiac type; minus strand). Cytogenetic location: 3p21.1.
Variant type: single nucleotide variant.
Coding change: c.262G>A on transcript NM_003280.3 (MANE Select); coding-DNA position 262, G replaced by A.
Protein change: p.Asp88Asn; replaces aspartic acid 88 with asparagine.
Molecular consequence: missense variant.
Genome position (GRCh38, 1-based): chr3:52,451,799, C>T on the plus strand (G>A on the coding strand, the complement: TNNC1 is on the minus strand). VCF-style: chr3-52451799-C-T. GRCh37 (hg19) VCF-style: chr3-52485815-C-T.
Other names: p.D88N:GAC>AAC; c.262G>A (LRG_378t1); short protein forms D88N.
Identifiers: ClinVar variation 181563 (VCV000181563.9), dbSNP rs730881058, ClinGen allele CA297316.

ClinVar aggregate classification (germline): Conflicting classifications of pathogenicity. Review status: criteria provided, conflicting classifications (1 of 4 stars). 3 submissions from 3 submitters: Likely pathogenic (1); Uncertain significance (1). 1 of the submissions does not count toward it. Last evaluated 2019-10-27.

Conditions:
Dilated cardiomyopathy 1Z (CMD1Z). Identifiers: Orphanet 154, MedGen C2678475, MONDO:0012745, OMIM 611879.
Hypertrophic cardiomyopathy 13. Also called: TNNC1-Related Familial Hypertrophic Cardiomyopathy. Identifiers: MedGen C2750472, MONDO:0013195, OMIM 613243.

Submissions (3):

Labcorp Genetics (formerly Invitae), Labcorp
Classification: Uncertain significance for Hypertrophic cardiomyopathy 13; Dilated cardiomyopathy 1Z. Last evaluated: 2019-10-27. Review status: criteria provided, single submitter. Criteria: Invitae Variant Classification Sherloc (09022015). Collection method: clinical testing. Allele origin: germline.
Comment: In summary, the available evidence is currently insufficient to determine the role of this variant in disease. Therefore, it has been classified as a Variant of Uncertain Significance. Algorithms developed to predict the effect of missense changes on protein structure and function (SIFT, PolyPhen-2, Align-GVGD) all suggest that this variant is likely to be tolerated, but these predictions have not been confirmed by published functional studies and their clinical significance is uncertain. This variant has not been reported in the literature in individuals with TNNC1-related disease. ClinVar contains an entry for this variant (Variation ID: 181563). This variant is not present in population databases (ExAC no frequency). This sequence change replaces aspartic acid with asparagine at codon 88 of the TNNC1 protein (p.Asp88Asn). The aspartic acid residue is moderately conserved and there is a small physicochemical difference between aspartic acid and asparagine.

GeneDx
Classification: Likely pathogenic. Last evaluated: 2013-09-11. Review status: criteria provided, single submitter. Criteria: GeneDx Variant Classification (06012015). Collection method: clinical testing. Allele origin: germline. Affected: yes.
Comment: This variant is denoted p.Asp88Asn (GAC>AAC): c.262 G>A in exon 4 of the TNNC1 gene (NM_003280.2). The Asp88Asn variant in the TNNC1 gene has not been reported as a disease-causing mutation or as a benign polymorphism to our knowledge. Asp88Asn results in a semi-conservative amino acid substitution of one negatively charged Aspartic acid with a neutral, polar Asparagine at a position that is conserved across species. In silico algorithms are not consistent in their predictions but at least two concur Asp88Asn is damaging to the protein structure/function. Mutations in nearby residues (Asp75Tyr, Cys84Tyr, Met103Ile) have been reported in association with cardiomyopathy, further supporting the functional importance of this region of the protein. Furthermore, the Asp88Asn variant was not observed in approximately 6,500 individuals of European and African American ancestry in the NHLBI Exome Sequencing Project, indicating it is not a common benign variant in these populations.In summary, while Asp88Asn is a good candidate for a disease-causing mutation, with the clinical and molecular information available at this time we cannot unequivocally determine the clinical significance of this variant. The pathogenic role for this variant would be further supported if it co-segregates with a cardiomyopathy phenotype in this family. The variant is found in DCM panel(s).

Molecular Cardiogenetic Lab, Hospices Civils de Lyon
Classification: Uncertain significance for Dilated cardiomyopathy 1Z. Review status: no assertion criteria provided. Collection method: clinical testing. Allele origin: de novo. Inheritance: Autosomal dominant inheritance. Affected: yes. Observed: 1 heterozygote. Not counted in ClinVar's aggregate classification.